The following is an entry in ClinVar:

NM_001353345.2(SETD1B):c.712T>A (p.Ser238Thr)

Gene: SETD1B (SET domain containing 1B, histone lysine methyltransferase; plus strand). Cytogenetic location: 12q24.31.
Variant type: single nucleotide variant.
Coding change: c.712T>A on transcript NM_001353345.2 (MANE Select); coding-DNA position 712, T replaced by A.
Protein change: p.Ser238Thr; replaces serine 238 with threonine.
Molecular consequence: missense variant.
Genome position (GRCh38, 1-based): chr12:121,809,657, T>A. VCF-style: chr12-121809657-T-A. GRCh37 (hg19) VCF-style: chr12-122247563-T-A.
Other names: short protein forms S238T.
Identifiers: ClinVar variation 4057074 (VCV004057074.1).
Genomic context (GRCh38, chr12:121,809,657, plus strand): 5'-CCTTAGCTGTCAGATGCCCTGAAGCGCCTCAAGGATGGAGGCCTGTCTGCAGGCTGTGGC[T>A]CCGGCTCCTCCTCTGTCACCCCCAATAGCGGTGGGACACCCTTCTCCCAGGACACAGCTT-3'
Protein context (NP_001340274.1, residues 228-248): KDGGLSAGCG[Ser238Thr]GSSSVTPNSG

ClinVar aggregate classification (germline): Uncertain significance (1 of 4 stars; one submission).

Submission:

GeneDx
Classification: Uncertain significance. Last evaluated: 2025-01-10. Review status: criteria provided, single submitter. Criteria: GeneDx Variant Classification Process June 2021. Collection method: clinical testing. Allele origin: germline. Affected: yes.
Comment: Not observed at significant frequency in large population cohorts (gnomAD); In silico analysis indicates that this missense variant does not alter protein structure/function; Has not been previously published as pathogenic or benign to our knowledge